The following is an entry in ClinVar:

NM_004304.5(ALK):c.2631A>C (p.Ala877=)

Gene: ALK (ALK receptor tyrosine kinase; minus strand). Cytogenetic location: 2p23.2.
Variant type: single nucleotide variant.
Coding change: c.2631A>C on transcript NM_004304.5 (MANE Select); coding-DNA position 2631, A replaced by C.
Protein change: p.Ala877=; no amino-acid change (alanine 877 retained).
Molecular consequence: synonymous variant.
Genome position (GRCh38, 1-based): chr2:29,232,305, T>G on the plus strand (A>C on the coding strand, the complement: ALK is on the minus strand). VCF-style: chr2-29232305-T-G. GRCh37 (hg19) VCF-style: chr2-29455171-T-G.
Other names: c.2631A>C (NM_004304.4).
Identifiers: ClinVar variation 2822287 (VCV002822287.4), dbSNP rs952654600, ClinGen allele CA425436599.

ClinVar aggregate classification (germline): Uncertain significance. Review status: criteria provided, multiple submitters, no conflicts (2 of 4 stars). 2 submissions from 2 submitters: Uncertain significance (2). Last evaluated 2026-08-14.

Conditions:
Neuroblastoma, susceptibility to, 3. Also called: ALK-Related Neuroblastic Tumor Susceptibility. Identifiers: Orphanet 635, MedGen C2751681, MONDO:0013083, OMIM 613014.
Hereditary cancer-predisposing syndrome. Also called: Hereditary Cancer Syndrome; Hereditary neoplastic syndrome; Neoplastic Syndromes, Hereditary; Tumor predisposition. Identifiers: Orphanet 140162, MedGen C0027672, MeSH D009386, MONDO:0015356.

Submissions (2):

Ambry Genetics
Classification: Uncertain significance for Hereditary cancer-predisposing syndrome. Last evaluated: 2026-08-14. Review status: criteria provided, single submitter. Criteria: Ambry Variant Classification Scheme 2023. Collection method: clinical testing. Allele origin: germline.
Comment: The c.2631A>C variant (also known as p.A877A), located in coding exon 15 of the ALK gene, results from an A to C substitution at nucleotide position 2631. This nucleotide substitution does not change the alanine at codon 877. This nucleotide position is highly conserved in available vertebrate species. In silico splice site analysis predicts that this alteration may weaken the native splice donor site. Based on the available evidence, the clinical significance of this variant remains unclear.

Labcorp Genetics (formerly Invitae), Labcorp
Classification: Uncertain significance for Neuroblastoma, susceptibility to, 3. Last evaluated: 2022-12-20. Review status: criteria provided, single submitter. Criteria: Invitae Variant Classification Sherloc (09022015). Collection method: clinical testing. Allele origin: germline.
Comment: This sequence change affects codon 877 of the ALK mRNA. It is a 'silent' change, meaning that it does not change the encoded amino acid sequence of the ALK protein. It affects a nucleotide within the consensus splice site. This variant is not present in population databases (gnomAD no frequency). This variant has not been reported in the literature in individuals affected with ALK-related conditions. Algorithms developed to predict the effect of sequence changes on RNA splicing suggest that this variant may disrupt the consensus splice site. In summary, the available evidence is currently insufficient to determine the role of this variant in disease. Therefore, it has been classified as a Variant of Uncertain Significance.